The following is an entry in ClinVar:

ClinVar aggregate classification (germline): Benign/Likely benign. Review status: criteria provided, multiple submitters, no conflicts (2 of 4 stars). 3 submissions from 3 submitters: Benign (1); Likely benign (1). 1 of the submissions does not count toward it. Last evaluated 2025-10-23.

Conditions:
Combined immunodeficiency due to ZAP70 deficiency (IMD48). Also called: ZAP70 Deficiency; Immunodeficiency 48. Identifiers: Orphanet 911, MedGen C2931299, MONDO:0010023, OMIM 269840.
Autoimmune disease, multisystem, infantile-onset, 2 (ADMIO2). Identifiers: MedGen C4310768, MONDO:0014861, OMIM 617006.
ZAP70-related disorder. Also called: ZAP70-related condition.

Allele frequency attached by ClinVar (database versions not stated): gnomAD 0.00004; TOPMed 0.00005; gnomAD exomes 0.00004 and 0.00006; ExAC 0.00005; ESP Exome Variant Server 0.00008.
gnomAD v4.1: 59 of 1,613,836 alleles (0.0037%); highest among the groups gnomAD compares: East Asian, 0.025%; no homozygotes.

Submissions (3):

Labcorp Genetics (formerly Invitae), Labcorp
Classification: Likely benign for Combined immunodeficiency due to ZAP70 deficiency. Last evaluated: 2025-10-23. Review status: criteria provided, single submitter. Criteria: Invitae Variant Classification Sherloc (09022015). Collection method: clinical testing. Allele origin: germline.

Fulgent Genetics
Classification: Benign for Combined immunodeficiency due to ZAP70 deficiency; Autoimmune disease, multisystem, infantile-onset, 2. Last evaluated: 2022-02-17. Review status: criteria provided, single submitter. Criteria: ACMG Guidelines, 2015. Collection method: clinical testing. Allele origin: unknown.

PreventionGenetics, part of Exact Sciences
Classification: Likely benign for ZAP70-related condition. Last evaluated: 2019-03-22. Review status: no assertion criteria provided. Collection method: clinical testing. Allele origin: germline. Not counted in ClinVar's aggregate classification.
Comment: This variant is classified as likely benign based on ACMG/AMP sequence variant interpretation guidelines (Richards et al. 2015 PMID: 25741868, with internal and published modifications).

NM_001079.4(ZAP70):c.732C>T (p.Asp244=)

Gene: ZAP70 (zeta chain of T cell receptor associated protein kinase 70; plus strand). Cytogenetic location: 2q11.2.
Variant type: single nucleotide variant.
Coding change: c.732C>T on transcript NM_001079.4 (MANE Select); coding-DNA position 732, C replaced by T.
Protein change: p.Asp244=; no amino-acid change (aspartic acid 244 retained).
Molecular consequence: synonymous variant.
Genome position (GRCh38, 1-based): chr2:97,733,154, C>T. VCF-style: chr2-97733154-C-T. GRCh37 (hg19) VCF-style: chr2-98349617-C-T.
Other names: c.732C>T, p.Asp244= (NM_001378594.1); c.732C>T (NM_001079.3).
Identifiers: ClinVar variation 1587005 (VCV001587005.11), dbSNP rs201683657, ClinGen allele CA1790195.